The following is an entry in ClinVar:

NC_000023.10:g.(?_123480147)_(123505241_?)dup

Gene: SH2D1A (SH2 domain containing 1A; plus strand). Cytogenetic location: Xq25.
Variant type: Duplication.
Identifiers: ClinVar variation 2424419 (VCV002424419.3).

ClinVar aggregate classification (germline): Uncertain significance (1 of 4 stars; one submission).

Conditions:
X-linked lymphoproliferative disease due to SH2D1A deficiency (XLP1). Also called: DUNCAN DISEASE; IMMUNODEFICIENCY 5; IMMUNODEFICIENCY, X-LINKED PROGRESSIVE COMBINED VARIABLE; INFECTIOUS MONONUCLEOSIS, SEVERE, SUSCEPTIBILITY TO; PURTILO SYNDROME; SH2D1A-Related Lymphoproliferative Disease, X-Linked. Identifiers: Orphanet 2442, Orphanet 538931, MedGen C5399825, MONDO:0024551, OMIM 308240.

Submission:

Labcorp Genetics (formerly Invitae), Labcorp
Classification: Uncertain significance for X-linked lymphoproliferative disease due to SH2D1A deficiency. Last evaluated: 2022-10-02. Review status: criteria provided, single submitter. Criteria: Invitae Variant Classification Sherloc (09022015). Collection method: clinical testing. Allele origin: germline.
Comment: A copy number gain of the genomic region encompassing the full coding sequence of the SH2D1A gene has been identified. The boundaries of this event are unknown as they extend beyond the assayed region for this gene and therefore may encompass additional genes. As the precise location of this event is unknown, it may be in tandem or it may be located elsewhere in the genome. This variant has not been reported in the literature in individuals affected with SH2D1A-related conditions. Experimental studies and prediction algorithms are not available or were not evaluated, and the functional significance of this variant is currently unknown. In summary, the available evidence is currently insufficient to determine the role of this variant in disease. Therefore, it has been classified as a Variant of Uncertain Significance.